The following is an entry in ClinVar:

ClinVar aggregate classification (germline): Uncertain significance (1 of 4 stars; one submission).

Conditions:
DNA ligase IV deficiency. Identifiers: Orphanet 99812, MedGen C1847827, MONDO:0011686, OMIM 606593.

Allele frequency attached by ClinVar (database versions not stated): gnomAD exomes below 0.00001; TOPMed below 0.00001; gnomAD 0.00001; ESP Exome Variant Server 0.00008.
gnomAD v4.1: 8 of 1,613,978 alleles (0.0005%); highest among the groups gnomAD compares: African/African-American, 0.004%; no homozygotes.

Submission:

Labcorp Genetics (formerly Invitae), Labcorp
Classification: Uncertain significance for DNA ligase IV deficiency. Last evaluated: 2021-09-24. Review status: criteria provided, single submitter. Criteria: Invitae Variant Classification Sherloc (09022015). Collection method: clinical testing. Allele origin: germline.
Comment: This sequence change replaces arginine with histidine at codon 505 of the LIG4 protein (p.Arg505His). The arginine residue is moderately conserved and there is a small physicochemical difference between arginine and histidine. This variant is not present in population databases (ExAC no frequency). This variant has not been reported in the literature in individuals with LIG4-related conditions. Algorithms developed to predict the effect of missense changes on protein structure and function are either unavailable or do not agree on the potential impact of this missense change (SIFT: "Tolerated"; PolyPhen-2: "Possibly Damaging"; Align-GVGD: "Class C0"). In summary, the available evidence is currently insufficient to determine the role of this variant in disease. Therefore, it has been classified as a Variant of Uncertain Significance.

NM_206937.2(LIG4):c.1514G>A (p.Arg505His)

Gene: LIG4 (DNA ligase 4; minus strand). Cytogenetic location: 13q33.3.
Variant type: single nucleotide variant.
Coding change: c.1514G>A on transcript NM_206937.2 (MANE Select); coding-DNA position 1514, G replaced by A.
Protein change: p.Arg505His; replaces arginine 505 with histidine.
Molecular consequence: missense variant.
Genome position (GRCh38, 1-based): chr13:108,209,755, C>T on the plus strand (G>A on the coding strand, the complement: LIG4 is on the minus strand). VCF-style: chr13-108209755-C-T. GRCh37 (hg19) VCF-style: chr13-108862103-C-T.
Other names: c.1514G>A, p.Arg505His (NM_001098268.2, NM_001352598.2, NM_001352599.2 and 6 more transcripts); c.1313G>A, p.Arg438His (NM_001330595.2); c.1550G>A, p.Arg517His (NM_001352604.2); short protein forms R517H, R505H, R438H.
Identifiers: ClinVar variation 1462095 (VCV001462095.5), dbSNP rs138366433, ClinGen allele CA256181261.